The following is an entry in ClinVar:

ClinVar aggregate classification (germline): Benign/Likely benign. Review status: criteria provided, multiple submitters, no conflicts (2 of 4 stars). 3 submissions from 3 submitters: Benign (2); Likely benign (1). Last evaluated 2023-03-01.

Allele frequency attached by ClinVar (database versions not stated): gnomAD exomes 0.00145 and 0.00280; ExAC 0.00250; ESP Exome Variant Server 0.00323; gnomAD 0.00398 and 0.00421; 1000 Genomes Project 0.00439; TOPMed 0.00443; 1000 Genomes Project 30x 0.00484.

Submissions (3):

CeGaT Center for Human Genetics Tuebingen
Classification: Likely benign. Last evaluated: 2023-03-01. Review status: criteria provided, single submitter. Criteria: CeGaT Center For Human Genetics Tuebingen Variant Classification Criteria Version 2. Collection method: clinical testing. Allele origin: germline. Affected: yes. Observed: 1 variant allele.
Comment: TRH: BS2

Labcorp Genetics (formerly Invitae), Labcorp
Classification: Benign. Last evaluated: 2018-04-04. Review status: criteria provided, single submitter. Criteria: Invitae Variant Classification Sherloc (09022015). Collection method: clinical testing. Allele origin: germline.

Breakthrough Genomics
Classification: Benign. Review status: criteria provided, single submitter. Criteria: ACMG Guidelines, 2015. Collection method: not provided. Allele origin: germline. Inheritance: Autosomal recessive inheritance. Affected: yes.

NM_007117.5(TRH):c.563C>T (p.Pro188Leu)

Gene: TRH (thyrotropin releasing hormone; plus strand). Cytogenetic location: 3q22.1.
Variant type: single nucleotide variant.
Coding change: c.563C>T on transcript NM_007117.5 (MANE Select); coding-DNA position 563, C replaced by T.
Protein change: p.Pro188Leu; replaces proline 188 with leucine.
Molecular consequence: missense variant.
Genome position (GRCh38, 1-based): chr3:129,977,050, C>T. VCF-style: chr3-129977050-C-T. GRCh37 (hg19) VCF-style: chr3-129695893-C-T.
Other names: short protein forms P188L.
Identifiers: ClinVar variation 771857 (VCV000771857.28), dbSNP rs35004321, ClinGen allele CA2610071.